The following is an entry in ClinVar:

ClinVar aggregate classification (germline): Uncertain significance (1 of 4 stars; one submission).

Conditions:
Meckel-Gruber syndrome. Also called: DYSENCEPHALIA SPLANCHNOCYSTICA; GRUBER SYNDROME; Dysencephalia splachnocystica. Identifiers: Orphanet 564, MedGen C0265215, MONDO:0018921.
Joubert syndrome. Also called: CEREBELLOPARENCHYMAL DISORDER IV; JOUBERT-BOLTSHAUSER SYNDROME; Familial aplasia of the vermis. Identifiers: Orphanet 475, MedGen C5979921, MONDO:0018772.

Allele frequency attached by ClinVar (database versions not stated): ExAC 0.00001; gnomAD 0.00001; gnomAD exomes 0.00001; TOPMed 0.00001.
gnomAD v4.1: 12 of 1,614,016 alleles (0.00074%); highest among the groups gnomAD compares: South Asian, 0.012%; no homozygotes.

Submission:

Labcorp Genetics (formerly Invitae), Labcorp
Classification: Uncertain significance for Joubert syndrome; Meckel-Gruber syndrome. Last evaluated: 2021-04-24. Review status: criteria provided, single submitter. Criteria: Invitae Variant Classification Sherloc (09022015). Collection method: clinical testing. Allele origin: germline.
Comment: In summary, the available evidence is currently insufficient to determine the role of this variant in disease. Therefore, it has been classified as a Variant of Uncertain Significance. Algorithms developed to predict the effect of missense changes on protein structure and function (SIFT, PolyPhen-2, Align-GVGD) all suggest that this variant is likely to be disruptive, but these predictions have not been confirmed by published functional studies and their clinical significance is uncertain. This variant has not been reported in the literature in individuals with TCTN1-related conditions. This variant is present in population databases (rs760047850, ExAC 0.006%). This sequence change replaces cysteine with tyrosine at codon 78 of the TCTN1 protein (p.Cys78Tyr). The cysteine residue is highly conserved and there is a large physicochemical difference between cysteine and tyrosine.

NM_001082538.3(TCTN1):c.233G>A (p.Cys78Tyr)

Gene: TCTN1 (tectonic family member 1; plus strand). Cytogenetic location: 12q24.11.
Variant type: single nucleotide variant.
Coding change: c.233G>A on transcript NM_001082538.3 (MANE Select); coding-DNA position 233, G replaced by A.
Protein change: p.Cys78Tyr; replaces cysteine 78 with tyrosine.
Molecular consequence: missense variant. On other transcripts: 5 prime UTR variant (1), non-coding transcript variant (1).
Genome position (GRCh38, 1-based): chr12:110,619,848, G>A. VCF-style: chr12-110619848-G-A. GRCh37 (hg19) VCF-style: chr12-111057653-G-A.
Other names: c.233G>A, p.Cys78Tyr (NM_001082537.3, NM_001319680.2, NM_024549.6); c.65G>A, p.Cys22Tyr (NM_001173975.3, NM_001319682.3); c.53G>A, p.Cys18Tyr (NM_001173976.2); c.-475G>A (NM_001319681.2); short protein forms C78Y, C18Y, C22Y.
Identifiers: ClinVar variation 1500710 (VCV001500710.8), dbSNP rs760047850, ClinGen allele CA6786503.